The following is an entry in ClinVar:

NM_002351.5(SH2D1A):c.137+1G>A

Gene: SH2D1A (SH2 domain containing 1A; plus strand). Cytogenetic location: Xq25.
Variant type: single nucleotide variant.
Coding change: c.137+1G>A on transcript NM_002351.5 (MANE Select); the canonical splice donor site of the intron after coding-DNA position 137, G replaced by A.
Molecular consequence: splice donor variant.
Genome position (GRCh38, 1-based): chrX:124,346,780, G>A. VCF-style: chrX-124346780-G-A. GRCh37 (hg19) VCF-style: chrX-123480630-G-A.
Other names: NC_000023.10:g.123480630G>A; c.137+1G>A (NM_001114937.3).
Identifiers: ClinVar variation 4468918 (VCV004468918.2).

ClinVar aggregate classification (germline): Likely pathogenic (1 of 4 stars; one submission).

Conditions:
X-linked lymphoproliferative disease due to SH2D1A deficiency (XLP1). Also called: DUNCAN DISEASE; IMMUNODEFICIENCY 5; IMMUNODEFICIENCY, X-LINKED PROGRESSIVE COMBINED VARIABLE; INFECTIOUS MONONUCLEOSIS, SEVERE, SUSCEPTIBILITY TO; PURTILO SYNDROME; SH2D1A-Related Lymphoproliferative Disease, X-Linked. Identifiers: Orphanet 2442, Orphanet 538931, MedGen C5399825, MONDO:0024551, OMIM 308240.

Submissions (3):

Labcorp Genetics (formerly Invitae), Labcorp
Classification: Likely pathogenic for X-linked lymphoproliferative disease due to SH2D1A deficiency. Last evaluated: 2025-06-11. Review status: criteria provided, single submitter. Criteria: Invitae Variant Classification Sherloc (09022015). Collection method: clinical testing. Allele origin: germline.
Comment: This sequence change affects a donor splice site in intron 1 of the SH2D1A gene. It is expected to disrupt RNA splicing. Variants that disrupt the donor or acceptor splice site typically lead to a loss of protein function (PMID: 16199547), and loss-of-function variants in SH2D1A are known to be pathogenic (PMID: 9771704, 11049992, 15711562). This variant is not present in population databases (gnomAD no frequency). Disruption of this splice site has been observed in individual(s) with SH2D1A-related conditions (PMID: 10556288, 12894850, 27577878, 32615565, 36790564). Studies have shown that disruption of this splice site is associated with inconclusive levels of altered splicing (PMID: 10556288). In summary, the currently available evidence indicates that the variant is pathogenic, but additional data are needed to prove that conclusively. Therefore, this variant has been classified as Likely Pathogenic.

Dr. Peter K. Rogan Lab, Western University
No classification provided (evidence only). Condition: Thyroid cancer, nonmedullary, 1. Review status: no classification provided. Collection method: in vitro. Allele origin: not applicable. Functional consequence: retained intron. Not counted in ClinVar's aggregate classification.

Dr. Peter K. Rogan Lab, Western University
No classification provided (evidence only). Condition: Thyroid cancer, nonmedullary, 1. Review status: no classification provided. Collection method: in vitro. Allele origin: not applicable. Functional consequence: retained intron. Not counted in ClinVar's aggregate classification.

Literature cited by the submitters: PubMed 16199547 (cited by Labcorp Genetics (formerly Invitae), Labcorp); PubMed 9771704 (cited by Labcorp Genetics (formerly Invitae), Labcorp); PubMed 11049992 (cited by Labcorp Genetics (formerly Invitae), Labcorp); PubMed 15711562 (cited by Labcorp Genetics (formerly Invitae), Labcorp); PubMed 10556288 (cited by Labcorp Genetics (formerly Invitae), Labcorp); PubMed 12894850 (cited by Labcorp Genetics (formerly Invitae), Labcorp); PubMed 27577878 (cited by Labcorp Genetics (formerly Invitae), Labcorp); PubMed 32615565 (cited by Labcorp Genetics (formerly Invitae), Labcorp); PubMed 36790564 (cited by Labcorp Genetics (formerly Invitae), Labcorp).